The following is an entry in ClinVar:

NM_018834.6(MATR3):c.2191T>C (p.Leu731=)

Gene: MATR3 (matrin 3; plus strand). Cytogenetic location: 5q31.2.
Variant type: single nucleotide variant.
Coding change: c.2191T>C on transcript NM_018834.6 (MANE Select); coding-DNA position 2191, T replaced by C.
Protein change: p.Leu731=; no amino-acid change (leucine 731 retained).
Molecular consequence: synonymous variant.
Genome position (GRCh38, 1-based): chr5:139,325,482, T>C. VCF-style: chr5-139325482-T-C. GRCh37 (hg19) VCF-style: chr5-138661171-T-C.
Other names: c.2191T>C, p.Leu731= (NM_001194954.2, NM_001194955.2, NM_199189.3); c.1327T>C, p.Leu443= (NM_001194956.2); c.1177T>C, p.Leu393= (NM_001282278.2).
Identifiers: ClinVar variation 474082 (VCV000474082.20), dbSNP rs149714542, ClinGen allele CA3433383.
Genomic context (GRCh38, chr5:139,325,482, plus strand): 5'-GGTTTGGTTGAAATTAAGGTGGACAAGATCGAGGAACTTGATCAAGAAAACGAAGCAGCG[T>C]TGGAAAATGGAATTAAAAATGAGGAAAACACAGAACCAGGTGCTGAATCTTCTGAGAACG-3'
Protein context (NP_061322.2, residues 721-741): EELDQENEAA[Leu731=]ENGIKNEENT

ClinVar aggregate classification (germline): Benign. Review status: criteria provided, multiple submitters, no conflicts (2 of 4 stars). 3 submissions from 3 submitters: Benign (2). 1 of the submissions does not count toward it. Last evaluated 2026-01-14.

Conditions:
Amyotrophic lateral sclerosis type 21. Also called: VOCAL CORD AND PHARYNGEAL DYSFUNCTION WITH DISTAL MYOPATHY; MYOPATHY, DISTAL, 2. Identifiers: Orphanet 600, Orphanet 803, MedGen C3807521, MONDO:0011632, OMIM 606070.
MATR3-related disorder. Also called: MATR3-related condition.

Allele frequency attached by ClinVar (database versions not stated): gnomAD 0.00004 and 0.00026; TOPMed 0.00009; ESP Exome Variant Server 0.00015; gnomAD exomes 0.00039 and 0.00076; ExAC 0.00084; 1000 Genomes Project 0.00120; 1000 Genomes Project 30x 0.00141.
gnomAD v4.1: 603 of 1,614,134 alleles (0.037%); highest among the groups gnomAD compares: South Asian, 0.52%; 9 homozygotes.

Submissions (3):

Labcorp Genetics (formerly Invitae), Labcorp
Classification: Benign for Amyotrophic lateral sclerosis type 21. Last evaluated: 2026-01-14. Review status: criteria provided, single submitter. Criteria: Invitae Variant Classification Sherloc (09022015). Collection method: clinical testing. Allele origin: germline.

Illumina Laboratory Services, Illumina
Classification: Benign for Amyotrophic lateral sclerosis type 21. Last evaluated: 2018-01-13. Review status: criteria provided, single submitter. Criteria: ICSL Variant Classification Criteria 13 December 2019. Collection method: clinical testing. Allele origin: germline.
Comment: This variant was observed in the ICSL laboratory as part of a predisposition screen in an ostensibly healthy population. It had not been previously curated by ICSL or reported in the Human Gene Mutation Database (HGMD: prior to June 1st, 2018), and was therefore a candidate for classification through an automated scoring system. Utilizing variant allele frequency, disease prevalence and penetrance estimates, and inheritance mode, an automated score was calculated to assess if this variant is too frequent to cause the disease. Based on the score and internal cut-off values, a variant classified as benign is not then subjected to further curation. The score for this variant resulted in a classification of benign for this disease.

PreventionGenetics, part of Exact Sciences
Classification: Benign for MATR3-related condition. Last evaluated: 2019-07-17. Review status: no assertion criteria provided. Collection method: clinical testing. Allele origin: germline. Not counted in ClinVar's aggregate classification.
Comment: This variant is classified as benign based on ACMG/AMP sequence variant interpretation guidelines (Richards et al. 2015 PMID: 25741868, with internal and published modifications).